The following is an entry in ClinVar:

ClinVar aggregate classification (germline): Uncertain significance. Review status: criteria provided, multiple submitters, no conflicts (2 of 4 stars). 2 submissions from 2 submitters: Uncertain significance (2). Last evaluated 2025-10-28.

Conditions:
Cardiomyopathy (CMYO). Also called: Cardiomyopathies. Identifiers: Orphanet 167848, MedGen C0878544, MONDO:0004994, HP:0001638. Inheritance: Various modes of inheritance.
Catecholaminergic polymorphic ventricular tachycardia (CVPT). Also called: Catecholamine-induced polymorphic ventricular tachycardia. Identifiers: Orphanet 3286, MedGen C5574922, MONDO:0017990.

Allele frequency attached by ClinVar (database versions not stated): gnomAD exomes below 0.00001; TOPMed below 0.00001.
gnomAD v4.1: 1 of 1,613,990 alleles (0.000062%); highest among the groups gnomAD compares: Non-Finnish European, 0.000085%; no homozygotes.

Submissions (2):

Color Diagnostics, LLC DBA Color Health
Classification: Uncertain significance for Cardiomyopathy. Last evaluated: 2025-10-28. Review status: criteria provided, single submitter. Criteria: ACMG Guidelines, 2015. Collection method: clinical testing. Allele origin: germline.
Comment: This missense variant replaces leucine with isoleucine at codon 4105 of the RYR2 protein. Computational prediction is inconclusive regarding the impact of this variant on protein structure and function. To our knowledge, functional studies have not been reported for this variant. This variant has not been reported in individuals affected with RYR2-related disorders in the literature. This variant has been identified in 1/248354 chromosomes in the general population by the Genome Aggregation Database (gnomAD). The available evidence is insufficient to determine the role of this variant in disease conclusively. Therefore, this variant is classified as a Variant of Uncertain Significance.

All of Us Research Program, National Institutes of Health
Classification: Uncertain significance for Catecholaminergic polymorphic ventricular tachycardia. Last evaluated: 2023-05-04. Review status: criteria provided, single submitter. Criteria: ACMG Guidelines, 2015. Collection method: clinical testing. Allele origin: germline. Inheritance: Autosomal dominant inheritance. Observed: 1 variant allele, 1 heterozygote.
Comment: This missense variant replaces leucine with isoleucine at codon 4105 of the RYR2 protein. Computational prediction is inconclusive regarding the impact of this variant on protein structure and function (internally defined REVEL score threshold 0.5 < inconclusive < 0.7, PMID: 27666373). To our knowledge, functional studies have not been reported for this variant. This variant has not been reported in individuals affected with RYR2-related disorders in the literature. This variant has been identified in 1/248354 chromosomes in the general population by the Genome Aggregation Database (gnomAD). The available evidence is insufficient to determine the role of this variant in disease conclusively. Therefore, this variant is classified as a Variant of Uncertain Significance.

This study involves interpretation of variants in research participants for the purpose of population health screening. Participant phenotype was not available at the time of variant classification. Additional details can be found in publication PMID: 35346344, PMCID: PMC8962531

NM_001035.3(RYR2):c.12313C>A (p.Leu4105Ile)

Gene: RYR2 (ryanodine receptor 2; plus strand). Cytogenetic location: 1q43.
Variant type: single nucleotide variant.
Coding change: c.12313C>A on transcript NM_001035.3 (MANE Select); coding-DNA position 12313, C replaced by A.
Protein change: p.Leu4105Ile; replaces leucine 4105 with isoleucine.
Molecular consequence: missense variant.
Genome position (GRCh38, 1-based): chr1:237,784,025, C>A. VCF-style: chr1-237784025-C-A. GRCh37 (hg19) VCF-style: chr1-237947325-C-A.
Other names: short protein forms L4105I.
Identifiers: ClinVar variation 3070637 (VCV003070637.2), dbSNP rs1413565928, ClinGen allele CA345412941.
Genomic context (GRCh38, chr1:237,784,025, plus strand): 5'-AAACGCTTCCACGAACCTGCGAAGGACATCGGCTTCAACGTCGCCGTCCTTCTGACAAAC[C>A]TCTCTGAGCACATGCCCAACGATACCCGACTTCAGACTTTTCTGGAATTAGCAGAGAGCG-3'
Protein context (NP_001026.2, residues 4095-4115): GFNVAVLLTN[Leu4105Ile]SEHMPNDTRL